The following is an entry in ClinVar:

NM_001351132.2(PEX5):c.1059T>C (p.Asn353=)

Gene: PEX5 (peroxisomal biogenesis factor 5; plus strand). Cytogenetic location: 12p13.31.
Variant type: single nucleotide variant.
Coding change: c.1059T>C on transcript NM_001351132.2 (MANE Select); coding-DNA position 1059, T replaced by C.
Protein change: p.Asn353=; no amino-acid change (asparagine 353 retained).
Molecular consequence: synonymous variant.
Genome position (GRCh38, 1-based): chr12:7,207,751, T>C. VCF-style: chr12-7207751-T-C. GRCh37 (hg19) VCF-style: chr12-7360347-T-C.
Other names: c.1035T>C, p.Asn345= (NM_000319.5); c.1104T>C, p.Asn368= (NM_001131023.2); c.948T>C, p.Asn316= (NM_001131024.2, NM_001351124.3, NM_001351126.2 and 7 more transcripts); c.1059T>C, p.Asn353= (NM_001131025.2, NM_001131026.2, NM_001300789.3 and 4 more transcripts); c.993T>C, p.Asn331= (NM_001351135.3, NM_001351138.2); c.1050T>C, p.Asn350= (NM_001351136.2); c.924T>C, p.Asn308= (NM_001351139.2, NM_001351140.2, NM_001374649.2).
Identifiers: ClinVar variation 791005 (VCV000791005.12), dbSNP rs775565970, ClinGen allele CA6426350.
Genomic context (GRCh38, chr12:7,207,751, plus strand): 5'-TGATCACCCTCAGCCTTTTGAAGAAGGGCTGCGGCGCCTTCAGGAGGGGGACCTGCCAAA[T>C]GCTGTGCTGCTTTTTGAGGCAGCTGTGCAGCAGGATCCTAAGCACATGGAAGTGAGTGAC-3'
Protein context (NP_001338061.1, residues 343-363): LRRLQEGDLP[Asn353=]AVLLFEAAVQ

ClinVar aggregate classification (germline): Likely benign. Review status: criteria provided, single submitter (1 of 4 stars). 2 submissions from 2 submitters: Likely benign (1). 1 of the submissions does not count toward it. Last evaluated 2025-05-05.

Conditions:
Peroxisome biogenesis disorder 2B (PBD2B). Identifiers: Orphanet 44, MedGen C3550234, MONDO:0008736, OMIM 202370.
PEX5-related disorder. Also called: PEX5-Related Disorders; PEX5-related condition.

Allele frequency attached by ClinVar (database versions not stated): gnomAD exomes below 0.00001; ExAC 0.00001; gnomAD 0.00001; TOPMed 0.00001.
gnomAD v4.1: 2 of 1,614,040 alleles (0.00012%); highest among the groups gnomAD compares: African/African-American, 0.0013%; no homozygotes.

Submissions (2):

Labcorp Genetics (formerly Invitae), Labcorp
Classification: Likely benign for Peroxisome biogenesis disorder 2B. Last evaluated: 2025-05-05. Review status: criteria provided, single submitter. Criteria: Invitae Variant Classification Sherloc (09022015). Collection method: clinical testing. Allele origin: germline.

PreventionGenetics, part of Exact Sciences
Classification: Likely benign for PEX5-related condition. Last evaluated: 2019-10-15. Review status: no assertion criteria provided. Collection method: clinical testing. Allele origin: germline. Not counted in ClinVar's aggregate classification.
Comment: This variant is classified as likely benign based on ACMG/AMP sequence variant interpretation guidelines (Richards et al. 2015 PMID: 25741868, with internal and published modifications).